The following is an entry in ClinVar:

ClinVar aggregate classification (germline): Uncertain significance (1 of 4 stars; one submission).

Allele frequency attached by ClinVar (database versions not stated): TOPMed below 0.00001.
gnomAD v4.1: 2 of 1,614,126 alleles (0.00012%); highest among the groups gnomAD compares: Non-Finnish European, 0.000085%; no homozygotes.

Submission:

ARUP Laboratories, Molecular Genetics and Genomics, ARUP Laboratories
Classification: Uncertain significance. Last evaluated: 2019-11-11. Review status: criteria provided, single submitter. Criteria: ARUP Molecular Germline Variant Investigation Process. Collection method: clinical testing. Allele origin: germline.
Comment: The MYPN c.2537T>C; p.Met846Thr variant (rs1261517918), to our knowledge, is not reported in the medical literature or gene-specific databases. This variant is also absent from general population databases (Exome Variant Server, Genome Aggregation Database), indicating it is not a common polymorphism. The methionine at codon 846 is highly conserved, and computational analyses (SIFT, PolyPhen-2) predict that this variant is deleterious. However, due to limited information, the clinical significance of the p.Met846Thr variant is uncertain at this time.

NM_032578.4(MYPN):c.2537T>C (p.Met846Thr)

Gene: MYPN (myopalladin; plus strand). Cytogenetic location: 10q21.3.
Variant type: single nucleotide variant.
Coding change: c.2537T>C on transcript NM_032578.4 (MANE Select); coding-DNA position 2537, T replaced by C.
Protein change: p.Met846Thr; replaces methionine 846 with threonine.
Molecular consequence: missense variant. On other transcripts: non-coding transcript variant (2).
Genome position (GRCh38, 1-based): chr10:68,174,629, T>C. VCF-style: chr10-68174629-T-C. GRCh37 (hg19) VCF-style: chr10-69934386-T-C.
Other names: c.2537T>C, p.Met846Thr (NM_001256267.2); c.1655T>C, p.Met552Thr (NM_001256268.2); short protein forms M552T, M846T.
Identifiers: ClinVar variation 994171 (VCV000994171.8), dbSNP rs1261517918, ClinGen allele CA376848196.